The following is an entry in ClinVar:

ClinVar aggregate classification (germline): Uncertain significance. Review status: criteria provided, multiple submitters, no conflicts (2 of 4 stars). 6 submissions from 6 submitters: Uncertain significance (5). 1 of the submissions does not count toward it. Last evaluated 2024-11-08.

Conditions:
SLC34A3-related disorder. Also called: SLC34A3-related condition.
Inborn genetic diseases. Identifiers: MedGen C0950123, MeSH D030342.
Autosomal recessive hypophosphatemic bone disease (HHRH). Also called: HYPERCALCIURIC RICKETS; Hypophosphatemic rickets with hypercalciuria. Identifiers: Orphanet 157215, MedGen C1853271, MONDO:0009431, OMIM 241530.

Allele frequency attached by ClinVar (database versions not stated): gnomAD exomes below 0.00001 and 0.00002; gnomAD 0.00001; TOPMed 0.00003.
gnomAD v4.1: 26 of 1,603,918 alleles (0.0016%); highest among the groups gnomAD compares: Middle Eastern, 0.099%; 1 homozygote.

Submissions (6):

Ambry Genetics
Classification: Uncertain significance for Inborn genetic diseases. Last evaluated: 2024-11-08. Review status: criteria provided, single submitter. Criteria: Ambry Variant Classification Scheme 2023. Collection method: clinical testing. Allele origin: germline.

GeneDx
Classification: Uncertain significance. Last evaluated: 2023-05-04. Review status: criteria provided, single submitter. Criteria: GeneDx Variant Classification Process June 2021. Collection method: clinical testing. Allele origin: germline. Affected: yes.
Comment: In silico analysis supports that this missense variant does not alter protein structure/function; Has not been previously published as pathogenic or benign to our knowledge

Fulgent Genetics
Classification: Uncertain significance for Autosomal recessive hypophosphatemic bone disease. Last evaluated: 2022-01-05. Review status: criteria provided, single submitter. Criteria: ACMG Guidelines, 2015. Collection method: clinical testing. Allele origin: unknown.

Revvity Omics, Revvity
Classification: Uncertain significance for Autosomal recessive hypophosphatemic bone disease. Last evaluated: 2021-09-14. Review status: criteria provided, single submitter. Criteria: ACMG Guidelines, 2015. Collection method: clinical testing. Allele origin: germline.

Labcorp Genetics (formerly Invitae), Labcorp
Classification: Uncertain significance. Last evaluated: 2021-08-26. Review status: criteria provided, single submitter. Criteria: Invitae Variant Classification Sherloc (09022015). Collection method: clinical testing. Allele origin: germline.
Comment: This sequence change replaces serine with glycine at codon 228 of the SLC34A3 protein (p.Ser228Gly). The serine residue is weakly conserved and there is a small physicochemical difference between serine and glycine. The frequency data for this variant in the population databases is considered unreliable, as metrics indicate poor data quality at this position in the ExAC database. This variant has not been reported in the literature in individuals affected with SLC34A3-related conditions. Algorithms developed to predict the effect of missense changes on protein structure and function (SIFT, PolyPhen-2, Align-GVGD) all suggest that this variant is likely to be tolerated. In summary, the available evidence is currently insufficient to determine the role of this variant in disease. Therefore, it has been classified as a Variant of Uncertain Significance.

PreventionGenetics, part of Exact Sciences
Classification: Uncertain significance for SLC34A3-related condition. Last evaluated: 2024-04-04. Review status: no assertion criteria provided. Collection method: clinical testing. Allele origin: germline. Not counted in ClinVar's aggregate classification.
Comment: The SLC34A3 c.682A>G variant is predicted to result in the amino acid substitution p.Ser228Gly. To our knowledge, this variant has not been reported in the literature. This variant is reported in 0.011% of alleles in individuals of Ashkenazi Jewish descent in gnomAD. At this time, the clinical significance of this variant is uncertain due to the absence of conclusive functional and genetic evidence.

NM_001177316.2(SLC34A3):c.682A>G (p.Ser228Gly)

Gene: SLC34A3 (solute carrier family 34 member 3; plus strand). Cytogenetic location: 9q34.3.
Variant type: single nucleotide variant.
Coding change: c.682A>G on transcript NM_001177316.2 (MANE Select); coding-DNA position 682, A replaced by G.
Protein change: p.Ser228Gly; replaces serine 228 with glycine.
Molecular consequence: missense variant.
Genome position (GRCh38, 1-based): chr9:137,233,330, A>G. VCF-style: chr9-137233330-A-G. GRCh37 (hg19) VCF-style: chr9-140127782-A-G.
Other names: c.682A>G, p.Ser228Gly (NM_001177317.2, NM_080877.3); short protein forms S228G.
Identifiers: ClinVar variation 1355159 (VCV001355159.11), dbSNP rs766506036, ClinGen allele CA5364522.